The following is an entry in ClinVar:

ClinVar aggregate classification (germline): Uncertain significance (1 of 4 stars; one submission).

Conditions:
Hereditary cancer-predisposing syndrome. Also called: Tumor predisposition; Hereditary neoplastic syndrome; Neoplastic Syndromes, Hereditary; Hereditary Cancer Syndrome. Identifiers: Orphanet 140162, MedGen C0027672, MeSH D009386, MONDO:0015356.

Allele frequency attached by ClinVar (database versions not stated): gnomAD exomes below 0.00001.
gnomAD v4.1: 1 of 1,613,836 alleles (0.000062%); highest among the groups gnomAD compares: African/African-American, 0.0013%; no homozygotes.

Submission:

Labcorp Genetics (formerly Invitae), Labcorp
Classification: Uncertain significance for Hereditary cancer-predisposing syndrome. Last evaluated: 2024-08-01. Review status: criteria provided, single submitter. Criteria: Invitae Variant Classification Sherloc (09022015). Collection method: clinical testing. Allele origin: germline.
Comment: This sequence change replaces glutamine, which is neutral and polar, with proline, which is neutral and non-polar, at codon 826 of the RAD50 protein (p.Gln826Pro). This variant is not present in population databases (gnomAD no frequency). This variant has not been reported in the literature in individuals affected with RAD50-related conditions. ClinVar contains an entry for this variant (Variation ID: 2157984). Advanced modeling of protein sequence and biophysical properties (such as structural, functional, and spatial information, amino acid conservation, physicochemical variation, residue mobility, and thermodynamic stability) performed at Invitae indicates that this missense variant is expected to disrupt RAD50 protein function with a positive predictive value of 80%. In summary, the available evidence is currently insufficient to determine the role of this variant in disease. Therefore, it has been classified as a Variant of Uncertain Significance.

NM_005732.4(RAD50):c.2477A>C (p.Gln826Pro)

Gene: RAD50 (RAD50 double strand break repair protein; plus strand). Cytogenetic location: 5q31.1.
Variant type: single nucleotide variant.
Coding change: c.2477A>C on transcript NM_005732.4 (MANE Select); coding-DNA position 2477, A replaced by C.
Protein change: p.Gln826Pro; replaces glutamine 826 with proline.
Molecular consequence: missense variant.
Genome position (GRCh38, 1-based): chr5:132,603,999, A>C. VCF-style: chr5-132603999-A-C. GRCh37 (hg19) VCF-style: chr5-131939691-A-C.
Other names: short protein forms Q826P.
Identifiers: ClinVar variation 2157984 (VCV002157984.4), dbSNP rs2479666320, ClinGen allele CA360955709.